The following is an entry in ClinVar:

ClinVar aggregate classification (germline): Uncertain significance (1 of 4 stars; one submission).

Conditions:
Developmental and epileptic encephalopathy, 13 (DEE13). Also called: Developmental and Epileptic Encephalopathy (SCN8A-DEE); Early infantile epileptic encephalopathy 13; SCN8A-Related Epilepsy. Identifiers: Orphanet 442835, MedGen C3281191, MONDO:0013801, OMIM 614558.

Submission:

3billion
Classification: Uncertain significance for Developmental and epileptic encephalopathy, 13. Last evaluated: 2024-09-20. Review status: criteria provided, single submitter. Criteria: ACMG Guidelines, 2015. Collection method: clinical testing. Allele origin: germline. Affected: yes.
Comment: The variant is not observed in the gnomAD v4.0.0 dataset. Predicted Consequence/Location: Missense variant. Missense changes are a common disease-causing mechanism. In silico tool predictions suggest damaging effect of the variant on gene or gene product [3Cnet: 0.98 (>=0.6, sensitivity 0.72 and precision 0.9)]. Therefore, this variant is classified as VUS according to the recommendation of ACMG/AMP guideline.

NM_001330260.2(SCN8A):c.4297A>C (p.Lys1433Gln)

Gene: SCN8A (sodium voltage-gated channel alpha subunit 8; plus strand). Cytogenetic location: 12q13.13.
Variant type: single nucleotide variant.
Coding change: c.4297A>C on transcript NM_001330260.2 (MANE Select); coding-DNA position 4297, A replaced by C.
Protein change: p.Lys1433Gln; replaces lysine 1433 with glutamine.
Molecular consequence: missense variant.
Genome position (GRCh38, 1-based): chr12:51,789,296, A>C. VCF-style: chr12-51789296-A-C. GRCh37 (hg19) VCF-style: chr12-52183080-A-C.
Other names: c.4174A>C, p.Lys1392Gln (NM_001177984.3, NM_001369788.1); c.4297A>C, p.Lys1433Gln (NM_014191.4); short protein forms K1392Q, K1433Q.
Identifiers: ClinVar variation 4292922 (VCV004292922.1).
Genomic context (GRCh38, chr12:51,789,296, plus strand): 5'-CAAACTAGGAGCTGATTCTCTTCCTTTTATCCTGTCCTTTGACAGCCTGATGAGCAGCCT[A>C]AGTATGAGGACAATATCTACATGTACATCTATTTTGTCATCTTCATCATCTTCGGCTCCT-3'
Protein context (NP_001317189.1, residues 1423-1443): VDSRKPDEQP[Lys1433Gln]YEDNIYMYIY